The following is an entry in ClinVar:

ClinVar aggregate classification (germline): Uncertain significance. Review status: criteria provided, multiple submitters, no conflicts (2 of 4 stars). 2 submissions from 2 submitters: Uncertain significance (2). Last evaluated 2025-08-21.

Conditions:
Inborn genetic diseases. Identifiers: MedGen C0950123, MeSH D030342.

gnomAD v4.1: 2 of 1,604,688 alleles (0.00012%); highest among the groups gnomAD compares: Admixed American, 0.0017%; no homozygotes.

Submissions (2):

Ambry Genetics
Classification: Uncertain significance for Inborn genetic diseases. Last evaluated: 2025-08-21. Review status: criteria provided, single submitter. Criteria: Ambry Variant Classification Scheme 2023. Collection method: clinical testing. Allele origin: germline.

Labcorp Genetics (formerly Invitae), Labcorp
Classification: Uncertain significance. Last evaluated: 2024-03-04. Review status: criteria provided, single submitter. Criteria: Invitae Variant Classification Sherloc (09022015). Collection method: clinical testing. Allele origin: germline.
Comment: This sequence change replaces alanine, which is neutral and non-polar, with serine, which is neutral and polar, at codon 262 of the KLF1 protein (p.Ala262Ser). This variant is not present in population databases (gnomAD no frequency). This variant has not been reported in the literature in individuals affected with KLF1-related conditions. ClinVar contains an entry for this variant (Variation ID: 1924965). Advanced modeling of protein sequence and biophysical properties (such as structural, functional, and spatial information, amino acid conservation, physicochemical variation, residue mobility, and thermodynamic stability) performed at Invitae indicates that this missense variant is not expected to disrupt KLF1 protein function with a negative predictive value of 80%. In summary, the available evidence is currently insufficient to determine the role of this variant in disease. Therefore, it has been classified as a Variant of Uncertain Significance.

NM_006563.5(KLF1):c.784G>T (p.Ala262Ser)

Genes: KLF1 (KLF transcription factor 1; minus strand), LOC117125591 (CRISPRi-FlowFISH-validated PRDX2 and RAD23A regulatory element; plus strand). Cytogenetic location: 19p13.13.
Variant type: single nucleotide variant.
Coding change: c.784G>T on transcript NM_006563.5 (MANE Select); coding-DNA position 784, G replaced by T.
Protein change: p.Ala262Ser; replaces alanine 262 with serine.
Molecular consequence: missense variant.
Genome position (GRCh38, 1-based): chr19:12,885,446, C>A on the plus strand (G>T on the coding strand, the complement: KLF1 is on the minus strand). VCF-style: chr19-12885446-C-A. GRCh37 (hg19) VCF-style: chr19-12996260-C-A.
Other names: c.784G>T (NM_006563.3); short protein forms A262S.
Identifiers: ClinVar variation 1924965 (VCV001924965.6), dbSNP rs778399478, ClinGen allele CA404307540.